The following is an entry in ClinVar:

NM_000254.3(MTR):c.621T>G (p.Phe207Leu)

Gene: MTR (5-methyltetrahydrofolate-homocysteine methyltransferase; plus strand). Cytogenetic location: 1q43.
Variant type: single nucleotide variant.
Coding change: c.621T>G on transcript NM_000254.3 (MANE Select); coding-DNA position 621, T replaced by G.
Protein change: p.Phe207Leu; replaces phenylalanine 207 with leucine.
Molecular consequence: missense variant. On other transcripts: 5 prime UTR variant (1).
Genome position (GRCh38, 1-based): chr1:236,815,615, T>G. VCF-style: chr1-236815615-T-G. GRCh37 (hg19) VCF-style: chr1-236978915-T-G.
Other names: c.621T>G, p.Phe207Leu (NM_001291939.1, NM_001410942.1); c.-488T>G (NM_001291940.2); short protein forms F207L.
Identifiers: ClinVar variation 2428028 (VCV002428028.3), dbSNP rs148101911, ClinGen allele CA1473801.
Genomic context (GRCh38, chr1:236,815,615, plus strand): 5'-TTGGACACACTCTCAGAAATAAAGACGTTCTTTCTTTTTTCCCTGACAGGCAGCCTTGTT[T>G]GCACTCCAAAATCTTTTTGAGGAGAAATATGCTCCCCGGCCTATCTTTGTAAGTTCTAAA-3'
Protein context (NP_000245.2, residues 197-217): FDTANAKAAL[Phe207Leu]ALQNLFEEKY

ClinVar aggregate classification (germline): Uncertain significance (1 of 4 stars; one submission).

Conditions:
Methylcobalamin deficiency type cblG (HMAG). Also called: HOMOCYSTINURIA-MEGALOBLASTIC ANEMIA, cblG COMPLEMENTATION TYPE; HOMOCYSTINURIA-MEGALOBLASTIC ANEMIA, cblG TYPE; HOMOCYSTINURIA-MEGALOBLASTIC ANEMIA DUE TO DEFECT IN COBALAMIN METABOLISM, cblG COMPLEMENTATION TYPE; Functional methionine synthase deficiency type cblG. Identifiers: Orphanet 2170, Orphanet 622, MedGen C1855128, MONDO:0009609, OMIM 250940.

Allele frequency attached by ClinVar (database versions not stated): ExAC 0.00002; gnomAD exomes 0.00004; gnomAD 0.00005; TOPMed 0.00005; ESP Exome Variant Server 0.00015.
gnomAD v4.1: 61 of 1,613,910 alleles (0.0038%); highest among the groups gnomAD compares: Non-Finnish European, 0.0052%; no homozygotes.

Submission:

Labcorp Genetics (formerly Invitae), Labcorp
Classification: Uncertain significance for Methylcobalamin deficiency type cblG. Last evaluated: 2022-08-05. Review status: criteria provided, single submitter. Criteria: Invitae Variant Classification Sherloc (09022015). Collection method: clinical testing. Allele origin: germline.
Comment: This sequence change replaces phenylalanine, which is neutral and non-polar, with leucine, which is neutral and non-polar, at codon 207 of the MTR protein (p.Phe207Leu). This variant is present in population databases (rs148101911, gnomAD 0.01%). This variant has not been reported in the literature in individuals affected with MTR-related conditions. Algorithms developed to predict the effect of missense changes on protein structure and function are either unavailable or do not agree on the potential impact of this missense change (SIFT: "Deleterious"; PolyPhen-2: "Possibly Damaging"; Align-GVGD: "Class C0"). In summary, the available evidence is currently insufficient to determine the role of this variant in disease. Therefore, it has been classified as a Variant of Uncertain Significance.